The following is an entry in ClinVar:

ClinVar aggregate classification (germline): Uncertain significance (1 of 4 stars; one submission).

Submission:

Women's Health and Genetics/Laboratory Corporation of America, LabCorp
Classification: Uncertain significance. Last evaluated: 2016-09-06. Review status: criteria provided, single submitter. Criteria: LabCorp Variant Classification Summary - May 2015. Collection method: clinical testing. Allele origin: germline.
Comment: Variant summary: The HBB c.-23A>G variant involves the alteration of a non-conserved nucleotide. One in silico tool predicts a benign outcome for this variant. This variant is absent in 120774 control chromosomes. The variant of interest has not, to our knowledge, been reported in affected individuals via publications and/or reputable databases/clinical diagnostic laboratories; nor evaluated for functional impact by in vivo/vitro studies. Because of the absence of clinical information and the lack of functional studies, the variant is classified as a variant of uncertain significance (VUS) until additional information becomes available.

NM_000518.5(HBB):c.-23A>G

Genes: HBB (hemoglobin subunit beta; minus strand), LOC106099062 (HBB recombination region; plus strand), LOC107133510 (origin of replication at HBB; plus strand). Cytogenetic location: 11p15.4.
Variant type: single nucleotide variant.
Coding change: c.-23A>G on transcript NM_000518.5 (MANE Select); 23 bases upstream of the start codon, A replaced by G.
Molecular consequence: 5 prime UTR variant.
Genome position (GRCh38, 1-based): chr11:5,227,044, T>C on the plus strand (A>G on the coding strand, the complement: HBB is on the minus strand). VCF-style: chr11-5227044-T-C. GRCh37 (hg19) VCF-style: chr11-5248274-T-C.
Identifiers: ClinVar variation 495985 (VCV000495985.1), dbSNP rs1010004981, ClinGen allele CA658683678.